The following is an entry in ClinVar:

ClinVar aggregate classification (germline): Uncertain significance. Review status: criteria provided, multiple submitters, no conflicts (2 of 4 stars). 2 submissions from 2 submitters: Uncertain significance (2). Last evaluated 2026-01-28.

Allele frequency attached by ClinVar (database versions not stated): gnomAD exomes 0.00001.
gnomAD v4.1: 8 of 1,607,838 alleles (0.0005%); highest among the groups gnomAD compares: East Asian, 0.0067%; no homozygotes.

Submissions (2):

Labcorp Genetics (formerly Invitae), Labcorp
Classification: Uncertain significance. Last evaluated: 2026-01-28. Review status: criteria provided, single submitter. Criteria: Invitae Variant Classification Sherloc (09022015). Collection method: clinical testing. Allele origin: germline.
Comment: This sequence change replaces glutamine, which is neutral and polar, with arginine, which is basic and polar, at codon 850 of the CDK13 protein (p.Gln850Arg). This variant is present in population databases (no rsID available, gnomAD 0.006%). This variant has not been reported in the literature in individuals affected with CDK13-related conditions. ClinVar contains an entry for this variant (Variation ID: 2663310). Invitae Evidence Modeling of protein sequence and biophysical properties (such as structural, functional, and spatial information, amino acid conservation, physicochemical variation, residue mobility, and thermodynamic stability) indicates that this missense variant is expected to disrupt CDK13 protein function with a positive predictive value of 80%. In summary, the available evidence is currently insufficient to determine the role of this variant in disease. Therefore, it has been classified as a Variant of Uncertain Significance.

GeneDx
Classification: Uncertain significance. Last evaluated: 2023-11-10. Review status: criteria provided, single submitter. Criteria: GeneDx Variant Classification Process June 2021. Collection method: clinical testing. Allele origin: germline. Affected: yes.
Comment: Not observed at significant frequency in large population cohorts (gnomAD); In silico analysis supports that this missense variant has a deleterious effect on protein structure/function; Has not been previously published as pathogenic or benign to our knowledge

NM_003718.5(CDK13):c.2549A>G (p.Gln850Arg)

Gene: CDK13 (cyclin dependent kinase 13; plus strand). Cytogenetic location: 7p14.1.
Variant type: single nucleotide variant.
Coding change: c.2549A>G on transcript NM_003718.5 (MANE Select); coding-DNA position 2549, A replaced by G.
Protein change: p.Gln850Arg; replaces glutamine 850 with arginine.
Molecular consequence: missense variant.
Genome position (GRCh38, 1-based): chr7:40,047,826, A>G. VCF-style: chr7-40047826-A-G. GRCh37 (hg19) VCF-style: chr7-40087425-A-G.
Other names: c.2549A>G, p.Gln850Arg (NM_031267.4); short protein forms Q850R.
Identifiers: ClinVar variation 2663310 (VCV002663310.4), dbSNP rs1231963814, ClinGen allele CA367280816.